The following is an entry in ClinVar:

NM_000268.4(NF2):c.1714A>C (p.Ser572Arg)

Gene: NF2 (NF2, moesin-ezrin-radixin like (MERLIN) tumor suppressor; plus strand). Cytogenetic location: 22q12.2.
Variant type: single nucleotide variant.
Coding change: c.1714A>C on transcript NM_000268.4 (MANE Select); coding-DNA position 1714, A replaced by C.
Protein change: p.Ser572Arg; replaces serine 572 with arginine.
Molecular consequence: missense variant. On other transcripts: non-coding transcript variant (1), intron variant (1).
Genome position (GRCh38, 1-based): chr22:29,681,578, A>C. VCF-style: chr22-29681578-A-C. GRCh37 (hg19) VCF-style: chr22-30077567-A-C.
Other names: c.1714A>C, p.Ser572Arg (NM_016418.5, NM_181825.3, NM_181832.3); c.1588A>C, p.Ser530Arg (NM_181828.3); c.1591A>C, p.Ser531Arg (NM_181829.3); c.1465A>C, p.Ser489Arg (NM_181830.3, NM_181831.3); c.448-13174A>C (NM_181833.3); short protein forms S489R, S530R, S531R, S572R.
Identifiers: ClinVar variation 1025043 (VCV001025043.41), dbSNP rs1379683835, ClinGen allele CA411150460.

ClinVar aggregate classification (germline): Conflicting classifications of pathogenicity. Review status: criteria provided, conflicting classifications (1 of 4 stars). 6 submissions from 6 submitters: Uncertain significance (5); Likely benign (1). Last evaluated 2025-11-25.

Conditions:
Hereditary cancer-predisposing syndrome. Also called: Tumor predisposition; Hereditary neoplastic syndrome; Neoplastic Syndromes, Hereditary; Hereditary Cancer Syndrome. Identifiers: Orphanet 140162, MedGen C0027672, MeSH D009386, MONDO:0015356.
Neurofibromatosis, type 2 (SWNV). Also called: NF2-Related Schwannomatosis; SCHWANNOMATOSIS, VESTIBULAR; BILATERAL ACOUSTIC NEUROFIBROMATOSIS. Identifiers: Orphanet 637, MedGen C0027832, MONDO:0007039, OMIM 101000. Disease mechanism: loss of function.

Allele frequency attached by ClinVar (database versions not stated): TOPMed 0.00001.
gnomAD v4.1: 4 of 1,614,152 alleles (0.00025%); highest among the groups gnomAD compares: Non-Finnish European, 0.00034%; no homozygotes.

Submissions (6):

Labcorp Genetics (formerly Invitae), Labcorp
Classification: Uncertain significance for Neurofibromatosis, type 2. Last evaluated: 2025-11-25. Review status: criteria provided, single submitter. Criteria: Invitae Variant Classification Sherloc (09022015). Collection method: clinical testing. Allele origin: germline.
Comment: This sequence change replaces serine, which is neutral and polar, with arginine, which is basic and polar, at codon 572 of the NF2 protein (p.Ser572Arg). This variant is present in population databases (no rsID available, gnomAD 0.0009%). This variant has not been reported in the literature in individuals affected with NF2-related conditions. ClinVar contains an entry for this variant (Variation ID: 1025043). Invitae Evidence Modeling of protein sequence and biophysical properties (such as structural, functional, and spatial information, amino acid conservation, physicochemical variation, residue mobility, and thermodynamic stability) indicates that this missense variant is not expected to disrupt NF2 protein function with a negative predictive value of 80%. In summary, the available evidence is currently insufficient to determine the role of this variant in disease. Therefore, it has been classified as a Variant of Uncertain Significance.

Color Diagnostics, LLC DBA Color Health
Classification: Uncertain significance for Neurofibromatosis, type 2. Last evaluated: 2025-10-07. Review status: criteria provided, single submitter. Criteria: ACMG Guidelines, 2015. Collection method: clinical testing. Allele origin: germline.
Comment: This missense variant replaces serine with arginine at codon 572 of the NF2 protein. Computational prediction is inconclusive regarding the impact of this variant on protein structure and function. To our knowledge, functional studies have not been reported for this variant. This variant has not been reported in individuals affected with NF2-related disorders in the literature. This variant has been identified in 1/250684 chromosomes in the general population by the Genome Aggregation Database (gnomAD). The available evidence is insufficient to determine the role of this variant in disease conclusively. Therefore, this variant is classified as a Variant of Uncertain Significance.

Ambry Genetics
Classification: Uncertain significance for Hereditary cancer-predisposing syndrome. Last evaluated: 2024-05-17. Review status: criteria provided, single submitter. Criteria: Ambry Variant Classification Scheme 2023. Collection method: clinical testing. Allele origin: germline.
Comment: The p.S572R variant (also known as c.1714A>C), located in coding exon 15 of the NF2 gene, results from an A to C substitution at nucleotide position 1714. The serine at codon 572 is replaced by arginine, an amino acid with dissimilar properties. This amino acid position is well conserved in available vertebrate species. In addition, the in silico prediction for this alteration is inconclusive. Since supporting evidence is limited at this time, the clinical significance of this alteration remains unclear.

CeGaT Center for Human Genetics Tuebingen
Classification: Likely benign. Last evaluated: 2023-07-01. Review status: criteria provided, single submitter. Criteria: CeGaT Center For Human Genetics Tuebingen Variant Classification Criteria Version 2. Collection method: clinical testing. Allele origin: germline. Affected: yes. Observed: 1 variant allele.
Comment: NF2: BP1

Genome-Nilou Lab
Classification: Uncertain significance for Neurofibromatosis, type 2. Last evaluated: 2021-11-07. Review status: criteria provided, single submitter. Criteria: ACMG Guidelines, 2015. Collection method: clinical testing. Allele origin: germline. Affected: no.

Mayo Clinic Laboratories, Mayo Clinic
Classification: Uncertain significance. Last evaluated: 2020-02-13. Review status: criteria provided, single submitter. Criteria: ACMG Guidelines, 2015. Collection method: clinical testing. Allele origin: germline. Observed: 1 variant allele.